The following is an entry in ClinVar:

ClinVar aggregate classification (germline): Uncertain significance (1 of 4 stars; one submission).

Submission:

Labcorp Genetics (formerly Invitae), Labcorp
Classification: Uncertain significance. Last evaluated: 2024-09-18. Review status: criteria provided, single submitter. Criteria: Invitae Variant Classification Sherloc (09022015). Collection method: clinical testing. Allele origin: germline.
Comment: This sequence change replaces asparagine, which is neutral and polar, with lysine, which is basic and polar, at codon 1933 of the NSD1 protein (p.Asn1933Lys). This variant is not present in population databases (gnomAD no frequency). This variant has not been reported in the literature in individuals affected with NSD1-related conditions. ClinVar contains an entry for this variant (Variation ID: 952352). Invitae Evidence Modeling of protein sequence and biophysical properties (such as structural, functional, and spatial information, amino acid conservation, physicochemical variation, residue mobility, and thermodynamic stability) indicates that this missense variant is expected to disrupt NSD1 protein function with a positive predictive value of 95%. In summary, the available evidence is currently insufficient to determine the role of this variant in disease. Therefore, it has been classified as a Variant of Uncertain Significance.

NM_022455.5(NSD1):c.5799C>A (p.Asn1933Lys)

Gene: NSD1 (nuclear receptor binding SET domain protein 1; plus strand). Cytogenetic location: 5q35.3.
Variant type: single nucleotide variant.
Coding change: c.5799C>A on transcript NM_022455.5 (MANE Select); coding-DNA position 5799, C replaced by A.
Protein change: p.Asn1933Lys; replaces asparagine 1933 with lysine.
Molecular consequence: missense variant.
Genome position (GRCh38, 1-based): chr5:177,280,741, C>A. VCF-style: chr5-177280741-C-A. GRCh37 (hg19) VCF-style: chr5-176707742-C-A.
Other names: c.4926C>A, p.Asn1642Lys (NM_001365684.2, NM_001409308.1, NM_001409309.1 and 1 more transcripts); c.5799C>A, p.Asn1933Lys (NM_001409301.1, NM_001409302.1, NM_001409303.1); c.5379C>A, p.Asn1793Lys (NM_001409304.1); c.5046C>A, p.Asn1682Lys (NM_001409305.1); c.5037C>A, p.Asn1679Lys (NM_001409306.1, NM_001409307.1); short protein forms N1933K, N1664K, N1679K, N1682K, N1793K, N1642K.
Identifiers: ClinVar variation 952352 (VCV000952352.10), dbSNP rs1758806559, ClinGen allele CA362313362.